The following is an entry in ClinVar:

NM_001040142.2(SCN2A):c.489A>G (p.Thr163=)

Gene: SCN2A (sodium voltage-gated channel alpha subunit 2; plus strand). Cytogenetic location: 2q24.3.
Variant type: single nucleotide variant.
Coding change: c.489A>G on transcript NM_001040142.2 (MANE Select); coding-DNA position 489, A replaced by G.
Protein change: p.Thr163=; no amino-acid change (threonine 163 retained).
Molecular consequence: synonymous variant.
Genome position (GRCh38, 1-based): chr2:165,308,678, A>G. VCF-style: chr2-165308678-A-G. GRCh37 (hg19) VCF-style: chr2-166165188-A-G.
Other names: c.489A>G, p.Thr163= (NM_001040143.2, NM_001371246.1, NM_001371247.1 and 1 more transcripts).
Identifiers: ClinVar variation 380737 (VCV000380737.1), dbSNP rs1057520898, ClinGen allele CA16603893.

ClinVar aggregate classification (germline): Likely benign (1 of 4 stars; one submission).

Allele frequency attached by ClinVar (database versions not stated): gnomAD exomes below 0.00001.
gnomAD v4.1: 1 of 1,611,970 alleles (0.000062%); highest among the groups gnomAD compares: South Asian, 0.0011%; no homozygotes.

Submission:

GeneDx
Classification: Likely benign. Last evaluated: 2015-10-06. Review status: criteria provided, single submitter. Criteria: GeneDx Variant Classification (06012015). Collection method: clinical testing. Allele origin: germline. Affected: yes.
Comment: This variant is considered likely benign or benign based on one or more of the following criteria: it is a conservative change, it occurs at a poorly conserved position in the protein, it is predicted to be benign by multiple in silico algorithms, and/or has population frequency not consistent with disease.